The following is an entry in ClinVar:

ClinVar aggregate classification (germline): Uncertain significance (1 of 4 stars; one submission).

Conditions:
Familial melanoma. Also called: Hereditary melanoma; Hereditary cutaneous melanoma. Identifiers: Orphanet 618, MedGen C1512419, MONDO:0018961.

Submission:

Labcorp Genetics (formerly Invitae), Labcorp
Classification: Uncertain significance for Familial melanoma. Last evaluated: 2025-07-30. Review status: criteria provided, single submitter. Criteria: Invitae Variant Classification Sherloc (09022015). Collection method: clinical testing. Allele origin: germline.
Comment: This sequence change replaces glutamic acid, which is acidic and polar, with lysine, which is basic and polar, at codon 299 of the CDK4 protein (p.Glu299Lys). This variant is not present in population databases (gnomAD no frequency). This variant has not been reported in the literature in individuals affected with CDK4-related conditions. ClinVar contains an entry for this variant (Variation ID: 961396). Invitae Evidence Modeling of protein sequence and biophysical properties (such as structural, functional, and spatial information, amino acid conservation, physicochemical variation, residue mobility, and thermodynamic stability) indicates that this missense variant is not expected to disrupt CDK4 protein function with a negative predictive value of 95%. In summary, the available evidence is currently insufficient to determine the role of this variant in disease. Therefore, it has been classified as a Variant of Uncertain Significance.

NM_000075.4(CDK4):c.895G>A (p.Glu299Lys)

Genes: CDK4 (cyclin dependent kinase 4; minus strand), TSPAN31 (tetraspanin 31; plus strand). Cytogenetic location: 12q14.1.
Variant type: single nucleotide variant.
Coding change: c.895G>A on transcript NM_000075.4 (MANE Select); coding-DNA position 895, G replaced by A.
Protein change: p.Glu299Lys; replaces glutamic acid 299 with lysine.
Molecular consequence: missense variant. On other transcripts: 3 prime UTR variant (3).
Genome position (GRCh38, 1-based): chr12:57,748,542, C>T on the plus strand (G>A on the coding strand, the complement: CDK4 is on the minus strand). VCF-style: chr12-57748542-C-T. GRCh37 (hg19) VCF-style: chr12-58142325-C-T.
Other names: c.*1252C>T (NM_001330168.2, NM_001330169.2, NM_005981.5); short protein forms E299K.
Identifiers: ClinVar variation 961396 (VCV000961396.7), dbSNP rs1161260206, ClinGen allele CA385542218.
Genomic context (GRCh38, chr12:57,748,542, plus strand): 5'-GAAATGGCAGCTTTTCTTCCTTCCATGGCAGCCACTCCATTGCTCACTCCGGATTACCTT[C>T]ATCCTTATGTAGATAAGAGTGCTGCAGAGCTCGAAAGGCAGAGATTCGCTTGTGTGGGTT-3'
Protein context (NP_000066.1, residues 289-303): ALQHSYLHKD[Glu299Lys]GNPE